The following is an entry in ClinVar:

NM_021922.3(FANCE):c.134G>A (p.Gly45Glu)

Genes: FANCE (FA complementation group E; plus strand), LOC129996245 (ATAC-STARR-seq lymphoblastoid silent region 17092; plus strand). Cytogenetic location: 6p21.31.
Variant type: single nucleotide variant.
Coding change: c.134G>A on transcript NM_021922.3 (MANE Select); coding-DNA position 134, G replaced by A.
Protein change: p.Gly45Glu; replaces glycine 45 with glutamic acid.
Molecular consequence: missense variant.
Genome position (GRCh38, 1-based): chr6:35,452,679, G>A. VCF-style: chr6-35452679-G-A. GRCh37 (hg19) VCF-style: chr6-35420456-G-A.
Other names: c.134G>A, p.Gly45Glu (NM_001410876.1); short protein forms G45E.
Identifiers: ClinVar variation 3015977 (VCV003015977.3), dbSNP rs1767154708, ClinGen allele CA363770328.

ClinVar aggregate classification (germline): Uncertain significance (1 of 4 stars; one submission).

Conditions:
Fanconi anemia complementation group E (FANCE). Also called: FANCE-Related Fanconi Anemia. Identifiers: Orphanet 84, MedGen C3160739, MONDO:0010953, OMIM 600901.

Submission:

Labcorp Genetics (formerly Invitae), Labcorp
Classification: Uncertain significance for Fanconi anemia complementation group E. Last evaluated: 2023-11-27. Review status: criteria provided, single submitter. Criteria: Invitae Variant Classification Sherloc (09022015). Collection method: clinical testing. Allele origin: germline.
Comment: This sequence change replaces glycine, which is neutral and non-polar, with glutamic acid, which is acidic and polar, at codon 45 of the FANCE protein (p.Gly45Glu). This variant is not present in population databases (gnomAD no frequency). This variant has not been reported in the literature in individuals affected with FANCE-related conditions. Advanced modeling of protein sequence and biophysical properties (such as structural, functional, and spatial information, amino acid conservation, physicochemical variation, residue mobility, and thermodynamic stability) performed at Invitae indicates that this missense variant is expected to disrupt FANCE protein function with a positive predictive value of 80%. In summary, the available evidence is currently insufficient to determine the role of this variant in disease. Therefore, it has been classified as a Variant of Uncertain Significance.